The following is an entry in ClinVar:

NM_001876.4(CPT1A):c.889_890del (p.Leu297fs)

Gene: CPT1A (carnitine palmitoyltransferase 1A; minus strand). Cytogenetic location: 11q13.3.
Variant type: Deletion.
Coding change: c.889_890del on transcript NM_001876.4 (MANE Select); coding-DNA positions 889 to 890, 2 bases deleted (TT; older notation c.889_890delTT).
Protein change: p.Leu297fs; shifts the reading frame from leucine 297.
Molecular consequence: frameshift variant.
Genome position (GRCh38, 1-based): chr11:68,793,392-68,793,393, AA deleted on the plus strand (TT on the coding strand, the reverse complement: CPT1A is on the minus strand); deleting any 2 consecutive bases within chr11:68,793,392-68,793,395 gives the same sequence; the c. name uses the placement nearest the transcript's 3' end. VCF-style (leftmost placement, unchanged base first): chr11-68793391-CAA-C. GRCh37 (hg19) VCF-style: chr11-68560859-CAA-C.
Other names: c.889_890del, p.Leu297fs (NM_001031847.3, NM_001440358.1, NM_001440359.1 and 4 more transcripts); c.781_782del, p.Leu261fs (NM_001440363.1); c.703_704del, p.Leu235fs (NM_001440365.1); short protein forms L235fs, L261fs, L297fs.
Identifiers: ClinVar variation 5015389 (VCV005015389.1).

ClinVar aggregate classification (germline): Pathogenic (1 of 4 stars; one submission).

Conditions:
Carnitine palmitoyl transferase 1A deficiency. Also called: Carnitine palmitoyltransferase 1A deficiency; CPT deficiency, hepatic, type IA; Carnitine palmitoyltransferase type I deficiency; CPT I DEFICIENCY; CPT DEFICIENCY, HEPATIC, TYPE I. Identifiers: Orphanet 156, MedGen C1829703, MONDO:0009705, OMIM 255120.

Submission:

Myriad Genetics, Inc.
Classification: Pathogenic for Carnitine palmitoyl transferase 1A deficiency. Last evaluated: 2026-01-05. Review status: criteria provided, single submitter. Criteria: Myriad Autosomal Dominant, Autosomal Recessive and X-Linked Classification Criteria (2023). Collection method: clinical testing. Allele origin: unknown.
Comment: NM_001876.3(CPT1A):c.889_890delTT(L297Gfs*16) is expected to be pathogenic in the context of carnitine palmitoyltransferase IA deficiency. This variant is predicted to lead to an abnormal or absent protein product due to the creation of a premature termination codon in CPT1A, a gene where loss-of-function variants are known to be pathogenic. Please note: this variant was assessed in the context of healthy population screening.